The following is an entry in ClinVar:

ClinVar aggregate classification (germline): Uncertain significance. Review status: criteria provided, multiple submitters, no conflicts (2 of 4 stars). 2 submissions from 2 submitters: Uncertain significance (2). Last evaluated 2024-10-03.

Conditions:
MHC class II deficiency. Also called: Bare lymphocyte syndrome 2; BLS, TYPE II. Identifiers: Orphanet 572, MedGen C5447452, MONDO:0008855.

Allele frequency attached by ClinVar (database versions not stated): ExAC 0.00002; gnomAD exomes 0.00002; ESP Exome Variant Server 0.00008.
gnomAD v4.1: 62 of 1,614,068 alleles (0.0038%); highest among the groups gnomAD compares: Non-Finnish European, 0.0047%; no homozygotes.

Submissions (2):

Blueprint Genetics
Classification: Uncertain significance. Last evaluated: 2024-10-03. Review status: criteria provided, single submitter. Criteria: ACMG Guidelines, 2015. Collection method: clinical testing. Allele origin: germline.

Labcorp Genetics (formerly Invitae), Labcorp
Classification: Uncertain significance for MHC class II deficiency. Last evaluated: 2022-08-20. Review status: criteria provided, single submitter. Criteria: Invitae Variant Classification Sherloc (09022015). Collection method: clinical testing. Allele origin: germline.
Comment: This sequence change replaces valine, which is neutral and non-polar, with methionine, which is neutral and non-polar, at codon 685 of the CIITA protein (p.Val685Met). This variant is present in population databases (rs148144155, gnomAD 0.003%). This variant has not been reported in the literature in individuals affected with CIITA-related conditions. ClinVar contains an entry for this variant (Variation ID: 1447927). Algorithms developed to predict the effect of missense changes on protein structure and function are either unavailable or do not agree on the potential impact of this missense change (SIFT: "Tolerated"; PolyPhen-2: "Possibly Damaging"; Align-GVGD: "Class C0"). In summary, the available evidence is currently insufficient to determine the role of this variant in disease. Therefore, it has been classified as a Variant of Uncertain Significance.

NM_000246.4(CIITA):c.2053G>A (p.Val685Met)

Gene: CIITA (class II major histocompatibility complex transactivator; plus strand). Cytogenetic location: 16p13.13.
Variant type: single nucleotide variant.
Coding change: c.2053G>A on transcript NM_000246.4 (MANE Select); coding-DNA position 2053, G replaced by A.
Protein change: p.Val685Met; replaces valine 685 with methionine.
Molecular consequence: missense variant. On other transcripts: intron variant (1).
Genome position (GRCh38, 1-based): chr16:10,907,545, G>A. VCF-style: chr16-10907545-G-A. GRCh37 (hg19) VCF-style: chr16-11001402-G-A.
Other names: c.2056G>A, p.Val686Met (NM_001286402.1, NM_001379332.1); c.1909G>A, p.Val637Met (NM_001379330.1); c.1906G>A, p.Val636Met (NM_001379331.1); c.2053G>A, p.Val685Met (NM_001379333.1); c.1984G>A, p.Val662Met (NM_001379334.1); c.860-1438G>A (NM_001286403.2); short protein forms V686M, V685M, V637M, V636M, V662M.
Identifiers: ClinVar variation 1447927 (VCV001447927.4), dbSNP rs148144155, ClinGen allele CA7900281.